The following is an entry in ClinVar:

ClinVar aggregate classification (germline): Uncertain significance. Review status: criteria provided, multiple submitters, no conflicts (2 of 4 stars). 2 submissions from 2 submitters: Uncertain significance (2). Last evaluated 2023-02-02.

Conditions:
Charcot-Marie-Tooth disease dominant intermediate B (CMTDIB). Also called: CHARCOT-MARIE-TOOTH NEUROPATHY, DOMINANT INTERMEDIATE B; Charcot-Marie-Tooth disease dominant intermediate 1; CMT DI1; Charcot-Marie-Tooth disease dominant intermediate I. Identifiers: Orphanet 100044, Orphanet 228179, MedGen C1847902, MONDO:0011674, OMIM 606482.

Allele frequency attached by ClinVar (database versions not stated): gnomAD exomes below 0.00001; ExAC 0.00001; ESP Exome Variant Server 0.00008.
gnomAD v4.1: 5 of 1,609,660 alleles (0.00031%); highest among the groups gnomAD compares: Non-Finnish European, 0.00042%; no homozygotes.

Submissions (2):

Labcorp Genetics (formerly Invitae), Labcorp
Classification: Uncertain significance for Charcot-Marie-Tooth disease dominant intermediate B. Last evaluated: 2023-02-02. Review status: criteria provided, single submitter. Criteria: Invitae Variant Classification Sherloc (09022015). Collection method: clinical testing. Allele origin: germline.
Comment: This sequence change replaces serine, which is neutral and polar, with glycine, which is neutral and non-polar, at codon 532 of the DNM2 protein (p.Ser532Gly). This variant is not present in population databases (gnomAD no frequency). This variant has not been reported in the literature in individuals affected with DNM2-related conditions. ClinVar contains an entry for this variant (Variation ID: 653073). Algorithms developed to predict the effect of missense changes on protein structure and function (SIFT, PolyPhen-2, Align-GVGD) all suggest that this variant is likely to be tolerated. In summary, the available evidence is currently insufficient to determine the role of this variant in disease. Therefore, it has been classified as a Variant of Uncertain Significance.

GeneDx
Classification: Uncertain significance. Last evaluated: 2022-08-15. Review status: criteria provided, single submitter. Criteria: GeneDx Variant Classification Process June 2021. Collection method: clinical testing. Allele origin: germline. Affected: yes.
Comment: Not observed at significant frequency in large population cohorts (gnomAD); In silico analysis supports that this missense variant does not alter protein structure/function; Has not been previously published as pathogenic or benign to our knowledge

NM_001005361.3(DNM2):c.1594A>G (p.Ser532Gly)

Gene: DNM2 (dynamin 2; plus strand). Cytogenetic location: 19p13.2.
Variant type: single nucleotide variant.
Coding change: c.1594A>G on transcript NM_001005361.3 (MANE Select); coding-DNA position 1594, A replaced by G.
Protein change: p.Ser532Gly; replaces serine 532 with glycine.
Molecular consequence: missense variant.
Genome position (GRCh38, 1-based): chr19:10,812,300, A>G. VCF-style: chr19-10812300-A-G. GRCh37 (hg19) VCF-style: chr19-10922976-A-G.
Other names: c.1594A>G, p.Ser532Gly (NM_001005360.3, NM_001190716.2); c.1582A>G, p.Ser528Gly (NM_001005362.3, NM_004945.4); short protein forms S528G, S532G.
Identifiers: ClinVar variation 653073 (VCV000653073.9), dbSNP rs368752035, ClinGen allele CA9201314.